The following is an entry in ClinVar:

NM_153704.6(TMEM67):c.226A>G (p.Thr76Ala)

Gene: TMEM67 (transmembrane protein 67; plus strand). Cytogenetic location: 8q22.1.
Variant type: single nucleotide variant.
Coding change: c.226A>G on transcript NM_153704.6 (MANE Select); coding-DNA position 226, A replaced by G.
Protein change: p.Thr76Ala; replaces threonine 76 with alanine.
Molecular consequence: missense variant. On other transcripts: non-coding transcript variant (1), intron variant (1).
Genome position (GRCh38, 1-based): chr8:93,755,780, A>G. VCF-style: chr8-93755780-A-G. GRCh37 (hg19) VCF-style: chr8-94768008-A-G.
Other names: c.-62+643A>G (NM_001142301.1); short protein forms T76A.
Identifiers: ClinVar variation 593784 (VCV000593784.46), dbSNP rs747598603, ClinGen allele CA4807560.

ClinVar aggregate classification (germline): Uncertain significance. Review status: criteria provided, multiple submitters, no conflicts (2 of 4 stars). 4 submissions from 4 submitters: Uncertain significance (4). Last evaluated 2024-05-13.

Conditions:
Joubert syndrome. Also called: JOUBERT-BOLTSHAUSER SYNDROME; Familial aplasia of the vermis. Identifiers: Orphanet 475, MedGen C5979921, MONDO:0018772.
Meckel-Gruber syndrome. Also called: DYSENCEPHALIA SPLANCHNOCYSTICA; GRUBER SYNDROME; Dysencephalia splachnocystica. Identifiers: Orphanet 564, MedGen C0265215, MONDO:0018921.

Allele frequency attached by ClinVar (database versions not stated): gnomAD exomes below 0.00001 and 0.00001; ExAC 0.00001; TOPMed 0.00001.
gnomAD v4.1: 1 of 1,246,728 alleles (0.00008%); highest among the groups gnomAD compares: South Asian, 0.0014%; no homozygotes.

Submissions (4):

Revvity Omics, Revvity
Classification: Uncertain significance. Last evaluated: 2024-05-13. Review status: criteria provided, single submitter. Criteria: ACMG Guidelines, 2015. Collection method: clinical testing. Allele origin: germline.

Labcorp Genetics (formerly Invitae), Labcorp
Classification: Uncertain significance for Joubert syndrome; Meckel-Gruber syndrome. Last evaluated: 2022-08-09. Review status: criteria provided, single submitter. Criteria: Invitae Variant Classification Sherloc (09022015). Collection method: clinical testing. Allele origin: germline.
Comment: This sequence change replaces threonine, which is neutral and polar, with alanine, which is neutral and non-polar, at codon 76 of the TMEM67 protein (p.Thr76Ala). This variant is present in population databases (rs747598603, gnomAD 0.005%). This variant has not been reported in the literature in individuals affected with TMEM67-related conditions. ClinVar contains an entry for this variant (Variation ID: 593784). Algorithms developed to predict the effect of missense changes on protein structure and function are either unavailable or do not agree on the potential impact of this missense change (SIFT: "Tolerated"; PolyPhen-2: "Possibly Damaging"; Align-GVGD: "Class C0"). In summary, the available evidence is currently insufficient to determine the role of this variant in disease. Therefore, it has been classified as a Variant of Uncertain Significance.

CeGaT Center for Human Genetics Tuebingen
Classification: Uncertain significance. Last evaluated: 2021-01-01. Review status: criteria provided, single submitter. Criteria: CeGaT Center For Human Genetics Tuebingen Variant Classification Criteria Version 2. Collection method: clinical testing. Allele origin: germline. Affected: yes. Observed: 1 variant allele.

Eurofins Ntd Llc (ga)
Classification: Uncertain significance. Last evaluated: 2017-09-07. Review status: criteria provided, single submitter. Criteria: EGL Classification Definitions 2015. Collection method: clinical testing. Allele origin: germline. Observed: 1 variant allele, 1 heterozygote.